The following is an entry in ClinVar:

NM_000465.4(BARD1):c.118G>A (p.Ala40Thr)

Gene: BARD1 (BRCA1 associated RING domain 1; minus strand). Cytogenetic location: 2q35.
Variant type: single nucleotide variant.
Coding change: c.118G>A on transcript NM_000465.4 (MANE Select); coding-DNA position 118, G replaced by A.
Protein change: p.Ala40Thr; replaces alanine 40 with threonine.
Molecular consequence: missense variant. On other transcripts: non-coding transcript variant (3).
Genome position (GRCh38, 1-based): chr2:214,809,452, C>T on the plus strand (G>A on the coding strand, the complement: BARD1 is on the minus strand). VCF-style: chr2-214809452-C-T. GRCh37 (hg19) VCF-style: chr2-215674176-C-T.
Other names: c.118G>A, p.Ala40Thr (NM_001282543.2, NM_001282545.2, NM_001282548.2 and 1 more transcripts); short protein forms A40T.
Identifiers: ClinVar variation 479186 (VCV000479186.8), dbSNP rs1553628378, ClinGen allele CA350464949.
Genomic context (GRCh38, chr2:214,809,452, plus strand): 5'-CCAAGAAGCTCCGTCTTTACCAACGCGAGCAGCGCAGCAGCTTCTCCAGGCGGTCGAGCG[C>T]GGCGCGACTGTGGGCCCAGGCACCGCGACCATCCGGTTCCATGGCGGGCGCGGAACGAGG-3'
Protein context (NP_000456.2, residues 30-50): GRGAWAHSRA[Ala40Thr]LDRLEKLLRC

ClinVar aggregate classification (germline): Uncertain significance. Review status: criteria provided, multiple submitters, no conflicts (2 of 4 stars). 2 submissions from 2 submitters: Uncertain significance (2). Last evaluated 2024-03-20.

Conditions:
Familial cancer of breast. Also called: BREAST CANCER, FAMILIAL; hereditary breast carcinoma; Hereditary breast cancer. Identifiers: Orphanet 227535, MedGen C0346153, MONDO:0016419, OMIM 114480. Disease mechanism: loss of function.
Hereditary cancer-predisposing syndrome. Also called: Neoplastic Syndromes, Hereditary; Hereditary Cancer Syndrome; Hereditary neoplastic syndrome; Tumor predisposition. Identifiers: Orphanet 140162, MedGen C0027672, MeSH D009386, MONDO:0015356.

Submissions (2):

Labcorp Genetics (formerly Invitae), Labcorp
Classification: Uncertain significance for Familial cancer of breast. Last evaluated: 2024-03-20. Review status: criteria provided, single submitter. Criteria: Invitae Variant Classification Sherloc (09022015). Collection method: clinical testing. Allele origin: germline.
Comment: This sequence change replaces alanine, which is neutral and non-polar, with threonine, which is neutral and polar, at codon 40 of the BARD1 protein (p.Ala40Thr). This variant is not present in population databases (gnomAD no frequency). This variant has not been reported in the literature in individuals affected with BARD1-related conditions. ClinVar contains an entry for this variant (Variation ID: 479186). An algorithm developed to predict the effect of missense changes on protein structure and function (PolyPhen-2) suggests that this variant is likely to be disruptive. In summary, the available evidence is currently insufficient to determine the role of this variant in disease. Therefore, it has been classified as a Variant of Uncertain Significance.

Ambry Genetics
Classification: Uncertain significance for Hereditary cancer-predisposing syndrome. Last evaluated: 2023-09-09. Review status: criteria provided, single submitter. Criteria: Ambry Variant Classification Scheme 2023. Collection method: clinical testing. Allele origin: germline.
Comment: The p.A40T variant (also known as c.118G>A), located in coding exon 1 of the BARD1 gene, results from a G to A substitution at nucleotide position 118. The alanine at codon 40 is replaced by threonine, an amino acid with similar properties. This amino acid position is highly conserved in available vertebrate species. In addition, the in silico prediction for this alteration is inconclusive. Since supporting evidence is limited at this time, the clinical significance of this alteration remains unclear.